The following is an entry in ClinVar:

ClinVar aggregate classification (germline): Uncertain significance. Review status: criteria provided, multiple submitters, no conflicts (2 of 4 stars). 3 submissions from 3 submitters: Uncertain significance (3). Last evaluated 2023-12-08.

Conditions:
Inborn genetic diseases. Identifiers: MedGen C0950123, MeSH D030342.
Muscular dystrophy-dystroglycanopathy (congenital with brain and eye anomalies), type a, 8 (MDDGA8). Also called: WALKER-WARBURG SYNDROME OR MUSCLE-EYE-BRAIN DISEASE, GTDC2-RELATED. Identifiers: Orphanet 899, MedGen C3553813, MONDO:0013904, OMIM 614830.

Allele frequency attached by ClinVar (database versions not stated): gnomAD 0.00002 and 0.00004; gnomAD exomes 0.00003 and 0.00004; ExAC 0.00006; TOPMed 0.00006; ESP Exome Variant Server 0.00008.
gnomAD v4.1: 47 of 1,611,656 alleles (0.0029%); highest among the groups gnomAD compares: Middle Eastern, 0.016%; no homozygotes.

Submissions (3):

Ambry Genetics
Classification: Uncertain significance for Inborn genetic diseases. Last evaluated: 2023-12-08. Review status: criteria provided, single submitter. Criteria: Ambry Variant Classification Scheme 2023. Collection method: clinical testing. Allele origin: germline.

Labcorp Genetics (formerly Invitae), Labcorp
Classification: Uncertain significance for Muscular dystrophy-dystroglycanopathy (congenital with brain and eye anomalies), type a, 8. Last evaluated: 2022-08-10. Review status: criteria provided, single submitter. Criteria: Invitae Variant Classification Sherloc (09022015). Collection method: clinical testing. Allele origin: germline.
Comment: This sequence change replaces threonine, which is neutral and polar, with methionine, which is neutral and non-polar, at codon 580 of the POMGNT2 protein (p.Thr580Met). This variant is present in population databases (rs367621319, gnomAD 0.009%). This variant has not been reported in the literature in individuals affected with POMGNT2-related conditions. ClinVar contains an entry for this variant (Variation ID: 946818). Algorithms developed to predict the effect of missense changes on protein structure and function (SIFT, PolyPhen-2, Align-GVGD) all suggest that this variant is likely to be disruptive. In summary, the available evidence is currently insufficient to determine the role of this variant in disease. Therefore, it has been classified as a Variant of Uncertain Significance.

GeneDx
Classification: Uncertain significance. Last evaluated: 2020-02-11. Review status: criteria provided, single submitter. Criteria: GeneDx Variant Classification Process June 2021. Collection method: clinical testing. Allele origin: germline. Affected: yes.
Comment: Not observed at a significant frequency in large population cohorts (Lek et al., 2016); In silico analysis supports that this missense variant does not alter protein structure/function; Has not been previously published as pathogenic or benign to our knowledge

NM_032806.6(POMGNT2):c.1739C>T (p.Thr580Met)

Gene: POMGNT2 (protein O-linked mannose N-acetylglucosaminyltransferase 2 (beta 1,4-); minus strand). Cytogenetic location: 3p22.1.
Variant type: single nucleotide variant.
Coding change: c.1739C>T on transcript NM_032806.6 (MANE Select); coding-DNA position 1739, C replaced by T.
Protein change: p.Thr580Met; replaces threonine 580 with methionine.
Molecular consequence: missense variant.
Genome position (GRCh38, 1-based): chr3:43,079,693, G>A on the plus strand (C>T on the coding strand, the complement: POMGNT2 is on the minus strand). VCF-style: chr3-43079693-G-A. GRCh37 (hg19) VCF-style: chr3-43121185-G-A.
Other names: c.1739C>T (NM_032806.4); short protein forms T580M.
Identifiers: ClinVar variation 946818 (VCV000946818.8), dbSNP rs367621319, ClinGen allele CA2339799.